The following is an entry in ClinVar:

ClinVar aggregate classification (germline): Uncertain significance (1 of 4 stars; one submission).

Conditions:
Leber congenital amaurosis 12 (LCA12). Identifiers: Orphanet 65, MedGen C1857743, MONDO:0012525, OMIM 610612.

Submission:

Labcorp Genetics (formerly Invitae), Labcorp
Classification: Uncertain significance for Leber congenital amaurosis 12. Last evaluated: 2022-05-10. Review status: criteria provided, single submitter. Criteria: Invitae Variant Classification Sherloc (09022015). Collection method: clinical testing. Allele origin: germline.
Comment: This sequence change replaces glutamic acid, which is acidic and polar, with glutamine, which is neutral and polar, at codon 171 of the RD3 protein (p.Glu171Gln). This variant is not present in population databases (gnomAD no frequency). This variant has not been reported in the literature in individuals affected with RD3-related conditions. Algorithms developed to predict the effect of missense changes on protein structure and function output the following: SIFT: "Deleterious"; PolyPhen-2: "Benign"; Align-GVGD: "Class C25". The glutamine amino acid residue is found in multiple mammalian species, which suggests that this missense change does not adversely affect protein function. In summary, the available evidence is currently insufficient to determine the role of this variant in disease. Therefore, it has been classified as a Variant of Uncertain Significance.

NM_001164688.2(RD3):c.511G>C (p.Glu171Gln)

Gene: RD3 (RD3 regulator of GUCY2D; minus strand). Cytogenetic location: 1q32.3.
Variant type: single nucleotide variant.
Coding change: c.511G>C on transcript NM_001164688.2 (MANE Select); coding-DNA position 511, G replaced by C.
Protein change: p.Glu171Gln; replaces glutamic acid 171 with glutamine.
Molecular consequence: missense variant.
Genome position (GRCh38, 1-based): chr1:211,479,113, C>G on the plus strand (G>C on the coding strand, the complement: RD3 is on the minus strand). VCF-style: chr1-211479113-C-G. GRCh37 (hg19) VCF-style: chr1-211652455-C-G.
Other names: c.511G>C, p.Glu171Gln (NM_183059.3); short protein forms E171Q.
Identifiers: ClinVar variation 1950048 (VCV001950048.5), dbSNP rs373687238, ClinGen allele CA344878682.
Genomic context (GRCh38, chr1:211,479,113, plus strand): 5'-CCCGGAATTCGGGCATGCTCCAGGACCGCAGTGGCGGCGGTGTGTCCCGCTCCACGTCCT[C>G]GGAGATGGTCCTGATGTCGCTGGCGAAGGGCGAGATGCGCGCGCGGGTCTTGAAGGTGGC-3'
Protein context (NP_001158160.1, residues 161-181): PFASDIRTIS[Glu171Gln]DVERDTPPPL